The following is an entry in ClinVar:

ClinVar aggregate classification (germline): Conflicting classifications of pathogenicity. Review status: criteria provided, conflicting classifications (1 of 4 stars). 2 submissions from 2 submitters: Uncertain significance (1); Likely benign (1). Last evaluated 2025-10-02.

Allele frequency attached by ClinVar (database versions not stated): ESP Exome Variant Server 0.00008; gnomAD 0.00008; ExAC 0.00013.
gnomAD v4.1: 135 of 1,535,302 alleles (0.0088%); highest among the groups gnomAD compares: South Asian, 0.04%; no homozygotes.

Submissions (2):

Labcorp Genetics (formerly Invitae), Labcorp
Classification: Uncertain significance. Last evaluated: 2025-10-02. Review status: criteria provided, single submitter. Criteria: Invitae Variant Classification Sherloc (09022015). Collection method: clinical testing. Allele origin: germline.
Comment: This sequence change falls in intron 4 of the DBR1 gene. It does not directly change the encoded amino acid sequence of the DBR1 protein. It affects a nucleotide within the consensus splice site. This variant is present in population databases (rs374340614, gnomAD 0.05%). This variant has not been reported in the literature in individuals affected with DBR1-related conditions. ClinVar contains an entry for this variant (Variation ID: 2151141). Variants that disrupt the consensus splice site are a relatively common cause of aberrant splicing (PMID: 17576681, 9536098). Algorithms developed to predict the effect of sequence changes on RNA splicing suggest that this variant is not likely to affect RNA splicing. In summary, the available evidence is currently insufficient to determine the role of this variant in disease. Therefore, it has been classified as a Variant of Uncertain Significance.

Blueprint Genetics
Classification: Likely benign. Last evaluated: 2024-11-25. Review status: criteria provided, single submitter. Criteria: ACMG Guidelines, 2015. Collection method: clinical testing. Allele origin: germline.

Literature cited by the submitters: PubMed 17576681 (cited by Labcorp Genetics (formerly Invitae), Labcorp); PubMed 9536098 (cited by Labcorp Genetics (formerly Invitae), Labcorp).

NM_016216.4(DBR1):c.489+4C>T

Gene: DBR1 (debranching RNA lariats 1; minus strand). Cytogenetic location: 3q22.3.
Variant type: single nucleotide variant.
Coding change: c.489+4C>T on transcript NM_016216.4 (MANE Select); 4 bases into the intron after coding-DNA position 489, C replaced by T.
Molecular consequence: intron variant.
Genome position (GRCh38, 1-based): chr3:138,170,103, G>A on the plus strand (C>T on the coding strand, the complement: DBR1 is on the minus strand). VCF-style: chr3-138170103-G-A. GRCh37 (hg19) VCF-style: chr3-137888945-G-A.
Identifiers: ClinVar variation 2151141 (VCV002151141.3), dbSNP rs374340614, ClinGen allele CA2635863.